The following is an entry in ClinVar:

ClinVar aggregate classification (germline): Conflicting classifications of pathogenicity. Review status: criteria provided, conflicting classifications (1 of 4 stars). 6 submissions from 6 submitters: Uncertain significance (5); Likely benign (1). Last evaluated 2024-06-14.

Conditions:
Breast-ovarian cancer, familial, susceptibility to, 2 (BROVCA2). Also called: BRCA2 Hereditary Breast and Ovarian Cancer. Identifiers: Orphanet 145, MedGen C2675520, MONDO:0012933, OMIM 612555. Disease mechanism: loss of function.
Hereditary cancer-predisposing syndrome. Also called: Hereditary Cancer Syndrome; Hereditary neoplastic syndrome; Tumor predisposition; Neoplastic Syndromes, Hereditary. Identifiers: Orphanet 140162, MedGen C0027672, MeSH D009386, MONDO:0015356.
Hereditary breast ovarian cancer syndrome. Also called: Hereditary breast and ovarian cancer syndrome; BRCA1- and BRCA2-Associated Hereditary Breast and Ovarian Cancer; Hereditary breast and ovarian cancer syndrome (HBOC); Hereditary breast and/or ovarian cancer syndrome; Hereditary breast and ovarian cancer; Breast and ovarian cancer. Identifiers: Orphanet 145, MedGen C0677776, MeSH D061325, MONDO:0003582. Disease mechanism: loss of function.

Submissions (6):

Labcorp Genetics (formerly Invitae), Labcorp
Classification: Uncertain significance for Hereditary breast ovarian cancer syndrome. Last evaluated: 2024-06-14. Review status: criteria provided, single submitter. Criteria: Invitae Variant Classification Sherloc (09022015). Collection method: clinical testing. Allele origin: germline.
Comment: This sequence change replaces threonine, which is neutral and polar, with isoleucine, which is neutral and non-polar, at codon 915 of the BRCA2 protein (p.Thr915Ile). This variant is not present in population databases (gnomAD no frequency). This variant has not been reported in the literature in individuals affected with BRCA2-related conditions. ClinVar contains an entry for this variant (Variation ID: 441420). Advanced modeling of protein sequence and biophysical properties (such as structural, functional, and spatial information, amino acid conservation, physicochemical variation, residue mobility, and thermodynamic stability) performed at Invitae indicates that this missense variant is not expected to disrupt BRCA2 protein function with a negative predictive value of 95%. In summary, the available evidence is currently insufficient to determine the role of this variant in disease. Therefore, it has been classified as a Variant of Uncertain Significance.

Ambry Genetics
Classification: Uncertain significance for Hereditary cancer-predisposing syndrome. Last evaluated: 2023-11-01. Review status: criteria provided, single submitter. Criteria: Ambry Variant Classification Scheme 2023. Collection method: clinical testing. Allele origin: germline.
Comment: The p.T915I variant (also known as c.2744C>T), located in coding exon 10 of the BRCA2 gene, results from a C to T substitution at nucleotide position 2744. The threonine at codon 915 is replaced by isoleucine, an amino acid with similar properties. This amino acid position is poorly conserved in available vertebrate species. In addition, this alteration is predicted to be tolerated by in silico analysis. Since supporting evidence is limited at this time, the clinical significance of this alteration remains unclear.

All of Us Research Program, National Institutes of Health
Classification: Uncertain significance for Breast-ovarian cancer, familial, susceptibility to, 2. Last evaluated: 2023-06-08. Review status: criteria provided, single submitter. Criteria: ACMG Guidelines, 2015. Collection method: clinical testing. Allele origin: germline. Inheritance: Autosomal dominant inheritance. Observed: 1 variant allele, 1 heterozygote.
Comment: This missense variant replaces threonine with isoleucine at codon 915 of the BRCA2 protein. Computational prediction suggests that this variant may not impact protein structure and function (internally defined REVEL score threshold <= 0.5, PMID: 27666373). To our knowledge, functional studies have not been reported for this variant. This variant has not been reported in individuals affected with BRCA2-related disorders in the literature. This variant has not been identified in the general population by the Genome Aggregation Database (gnomAD). The available evidence is insufficient to determine the role of this variant in disease conclusively. Therefore, this variant is classified as a Variant of Uncertain Significance.

This study involves interpretation of variants in research participants for the purpose of population health screening. Participant phenotype was not available at the time of variant classification. Additional details can be found in publication PMID: 35346344, PMCID: PMC8962531

University of Washington Department of Laboratory Medicine, University of Washington
Classification: Likely benign for Hereditary cancer-predisposing syndrome. Last evaluated: 2023-03-23. Review status: criteria provided, single submitter. Criteria: Dines et al. (Genet Med. 2020). Collection method: curation. Allele origin: germline.
Comment: Missense variant in a coldspot region where missense variants are very unlikely to be pathogenic (PMID:31911673).

BRCA2 exon 11 coldspot. Reclassification based on statistical prior probability.

GeneDx
Classification: Uncertain significance. Last evaluated: 2022-05-12. Review status: criteria provided, single submitter. Criteria: GeneDx Variant Classification Process June 2021. Collection method: clinical testing. Allele origin: germline. Affected: yes.
Comment: Not observed at significant frequency in large population cohorts (gnomAD); In silico analysis supports that this missense variant does not alter protein structure/function; Has not been previously published as pathogenic or benign to our knowledge; Also known as 2972C>T; This variant is associated with the following publications: (PMID: 23929434)

Quest Diagnostics Nichols Institute San Juan Capistrano
Classification: Uncertain significance. Last evaluated: 2019-12-03. Review status: criteria provided, single submitter. Criteria: Quest Diagnostics criteria. Collection method: clinical testing. Allele origin: unknown.

Literature cited by the submitters: PubMed 23929434 (cited by Ambry Genetics and Quest Diagnostics Nichols Institute San Juan Capistrano).

NM_000059.4(BRCA2):c.2744C>T (p.Thr915Ile)

Gene: BRCA2 (BRCA2 DNA repair associated; plus strand). Cytogenetic location: 13q13.1.
Variant type: single nucleotide variant.
Coding change: c.2744C>T on transcript NM_000059.4 (MANE Select); coding-DNA position 2744, C replaced by T.
Protein change: p.Thr915Ile; replaces threonine 915 with isoleucine.
Molecular consequence: missense variant.
Genome position (GRCh38, 1-based): chr13:32,337,099, C>T. VCF-style: chr13-32337099-C-T. GRCh37 (hg19) VCF-style: chr13-32911236-C-T.
Other names: short protein forms T915I.
Identifiers: ClinVar variation 441420 (VCV000441420.16), dbSNP rs786202795, ClinGen allele CA387773628.
Genomic context (GRCh38, chr13:32,337,099, plus strand): 5'-CTAATGAAAGGAATAATCTTGCTTTAGGAAATACTAAGGAACTTCATGAAACAGACTTGA[C>T]TTGTGTAAACGAACCCATTTTCAAGAACTCTACCATGGTTTTATATGGAGACACAGGTGA-3'
Protein context (NP_000050.3, residues 905-925): NTKELHETDL[Thr915Ile]CVNEPIFKNS